The following is an entry in ClinVar:

NC_000012.11:g.(?_122692928)_(122693144_?)dup

Gene: DIABLO (diablo IAP-binding mitochondrial protein; minus strand). Cytogenetic location: 12q24.31.
Variant type: Duplication.
Identifiers: ClinVar variation 3244430 (VCV003244430.1).

ClinVar aggregate classification (germline): Uncertain significance (1 of 4 stars; one submission).

Submission:

Labcorp Genetics (formerly Invitae), Labcorp
Classification: Uncertain significance. Last evaluated: 2023-11-21. Review status: criteria provided, single submitter. Criteria: Invitae Variant Classification Sherloc (09022015). Collection method: clinical testing. Allele origin: unknown.
Comment: This variant results in a copy number gain of the genomic region encompassing exon(s) 7 of the DIABLO gene. This region includes the termination codon of the gene. This copy number gain extends beyond the assayed region for this gene and therefore may encompass additional genes. As the precise location of this event is unknown, it may be in tandem or it may be located elsewhere in the genome. This variant has not been reported in the literature in individuals affected with DIABLO-related conditions. In summary, the available evidence is currently insufficient to determine the role of this variant in disease. Therefore, it has been classified as a Variant of Uncertain Significance.